The following is an entry in ClinVar:

NM_015047.3(EMC1):c.343G>A (p.Gly115Arg)

Gene: EMC1 (ER membrane protein complex subunit 1; minus strand). Cytogenetic location: 1p36.13.
Variant type: single nucleotide variant.
Coding change: c.343G>A on transcript NM_015047.3 (MANE Select); coding-DNA position 343, G replaced by A.
Protein change: p.Gly115Arg; replaces glycine 115 with arginine.
Molecular consequence: missense variant.
Genome position (GRCh38, 1-based): chr1:19,243,651, C>T on the plus strand (G>A on the coding strand, the complement: EMC1 is on the minus strand). VCF-style: chr1-19243651-C-T. GRCh37 (hg19) VCF-style: chr1-19570145-C-T.
Other names: c.343G>A, p.Gly115Arg (NM_001271427.2, NM_001271428.2, NM_001375820.1 and 1 more transcripts); c.277G>A, p.Gly93Arg (NM_001271429.2); c.343G>A (NM_015047.1); short protein forms G115R, G93R.
Identifiers: ClinVar variation 1017378 (VCV001017378.7), dbSNP rs749646972, ClinGen allele CA652954.

ClinVar aggregate classification (germline): Uncertain significance. Review status: criteria provided, multiple submitters, no conflicts (2 of 4 stars). 2 submissions from 2 submitters: Uncertain significance (2). Last evaluated 2026-01-12.

Conditions:
Inborn genetic diseases. Identifiers: MedGen C0950123, MeSH D030342.

Allele frequency attached by ClinVar (database versions not stated): ExAC 0.00001; gnomAD 0.00001; TOPMed 0.00003.
gnomAD v4.1: 79 of 1,614,010 alleles (0.0049%); highest among the groups gnomAD compares: Non-Finnish European, 0.0056%; no homozygotes.

Submissions (2):

Labcorp Genetics (formerly Invitae), Labcorp
Classification: Uncertain significance. Last evaluated: 2026-01-12. Review status: criteria provided, single submitter. Criteria: Invitae Variant Classification Sherloc (09022015). Collection method: clinical testing. Allele origin: germline.
Comment: This sequence change replaces glycine, which is neutral and non-polar, with arginine, which is basic and polar, at codon 115 of the EMC1 protein (p.Gly115Arg). This variant is present in population databases (rs749646972, gnomAD 0.002%). This missense change has been observed in individual(s) with familial exudative vitreoretinopathy (PMID: 41412793). ClinVar contains an entry for this variant (Variation ID: 1017378). Invitae Evidence Modeling of protein sequence and biophysical properties (such as structural, functional, and spatial information, amino acid conservation, physicochemical variation, residue mobility, and thermodynamic stability) indicates that this missense variant is expected to disrupt EMC1 protein function with a positive predictive value of 80%. In summary, the available evidence is currently insufficient to determine the role of this variant in disease. Therefore, it has been classified as a Variant of Uncertain Significance.

Ambry Genetics
Classification: Uncertain significance for Inborn genetic diseases. Last evaluated: 2024-07-01. Review status: criteria provided, single submitter. Criteria: Ambry Variant Classification Scheme 2023. Collection method: clinical testing. Allele origin: germline.

Literature cited by the submitters: PubMed 41412793 (cited by Labcorp Genetics (formerly Invitae), Labcorp).